The following is an entry in ClinVar:

NM_000393.5(COL5A2):c.3525A>G (p.Arg1175=)

Gene: COL5A2 (collagen type V alpha 2 chain; minus strand). Cytogenetic location: 2q32.2.
Variant type: single nucleotide variant.
Coding change: c.3525A>G on transcript NM_000393.5 (MANE Select); coding-DNA position 3525, A replaced by G.
Protein change: p.Arg1175=; no amino-acid change (arginine 1175 retained).
Molecular consequence: synonymous variant.
Genome position (GRCh38, 1-based): chr2:189,042,720, T>C on the plus strand (A>G on the coding strand, the complement: COL5A2 is on the minus strand). VCF-style: chr2-189042720-T-C. GRCh37 (hg19) VCF-style: chr2-189907446-T-C.
Identifiers: ClinVar variation 3769355 (VCV003769355.2).
Genomic context (GRCh38, chr2:189,042,720, plus strand): 5'-CAGTACATCAACAAAGGCATTATTATTTACACCTGCAACTTACTACTTTTTGTTACTTAC[T>C]CTTGGGCCAAATGGTCCAGGGATTCCAGCACTTCCTTGTTCACCATTTGGACCCTAAGTA-3'
Protein context (NP_000384.2, residues 1165-1185): SAGIPGPFGP[Arg1175=]GPPGPVGPSG

ClinVar aggregate classification (germline): Uncertain significance (1 of 4 stars; one submission).

Submission:

Women's Health and Genetics/Laboratory Corporation of America, LabCorp
Classification: Uncertain significance. Last evaluated: 2025-01-28. Review status: criteria provided, single submitter. Criteria: LabCorp Variant Classification Summary - May 2015. Collection method: clinical testing. Allele origin: germline.
Comment: Variant summary: COL5A2 c.3525A>G (p.Arg1175Arg) alters a conserved nucleotide located close to a canonical splice site and therefore could affect mRNA splicing, leading to a significantly altered protein sequence. Consensus agreement among computation tools predict no significant impact on normal splicing. However, these predictions have yet to be confirmed by functional studies. The variant was absent in 240282 control chromosomes. The available data on variant occurrences in the general population are insufficient to allow any conclusion about variant significance. To our knowledge, no occurrence of c.3525A>G in individuals affected with Ehlers-Danlos syndrome, classic type, 2 and no experimental evidence demonstrating its impact on protein function have been reported. No submitters have cited clinical-significance assessments for this variant to ClinVar. Based on the evidence outlined above, the variant was classified as uncertain significance.